The following is an entry in ClinVar:

ClinVar aggregate classification (germline): Uncertain significance (1 of 4 stars; one submission).

gnomAD v4.1: 6 of 1,186,436 alleles (0.00051%); highest among the groups gnomAD compares: Non-Finnish European, 0.00069%; no homozygotes.

Submission:

Women's Health and Genetics/Laboratory Corporation of America, LabCorp
Classification: Uncertain significance. Last evaluated: 2025-07-17. Review status: criteria provided, single submitter. Criteria: LabCorp Variant Classification Summary - May 2015. Collection method: clinical testing. Allele origin: germline.
Comment: Variant summary: PDHA1 c.*17G>A is located in the untranslated mRNA region downstream of the termination codon. The variant was absent in 183170 control chromosomes. The available data on variant occurrences in the general population are insufficient to allow any conclusion about variant significance. To our knowledge, no occurrence of c.*17G>A in individuals affected with Pyruvate Dehydrogenase Deficiency and no experimental evidence demonstrating its impact on protein function have been reported. No submitters have cited clinical-significance assessments for this variant to ClinVar. Based on the evidence outlined above, the variant was classified as uncertain significance.

NM_000284.4(PDHA1):c.*17G>A

Gene: PDHA1 (pyruvate dehydrogenase E1 subunit alpha 1; plus strand). Cytogenetic location: Xp22.12.
Variant type: single nucleotide variant.
Coding change: c.*17G>A on transcript NM_000284.4 (MANE Select); 17 bases downstream of the stop codon, G replaced by A.
Molecular consequence: 3 prime UTR variant.
Genome position (GRCh38, 1-based): chrX:19,359,670, G>A. VCF-style: chrX-19359670-G-A. GRCh37 (hg19) VCF-style: chrX-19377788-G-A.
Other names: c.*17G>A (NM_001173454.2, NM_001173455.2, NM_001173456.2).
Identifiers: ClinVar variation 4525808 (VCV004525808.1).